The following is an entry in ClinVar:

NM_001018005.2(TPM1):c.30G>A (p.Met10Ile)

Gene: TPM1 (tropomyosin 1; plus strand). Cytogenetic location: 15q22.2.
Variant type: single nucleotide variant.
Coding change: c.30G>A on transcript NM_001018005.2 (MANE Select); coding-DNA position 30, G replaced by A.
Protein change: p.Met10Ile; replaces methionine 10 with isoleucine.
Molecular consequence: missense variant.
Genome position (GRCh38, 1-based): chr15:63,042,859, G>A. VCF-style: chr15-63042859-G-A. GRCh37 (hg19) VCF-style: chr15-63335058-G-A.
Other names: c.30G>A, p.Met10Ile (NM_000366.6, NM_001018004.2, NM_001018006.2 and 24 more transcripts); short protein forms M10I.
Identifiers: ClinVar variation 2046188 (VCV002046188.4), dbSNP rs868300913, ClinGen allele CA272020126.

ClinVar aggregate classification (germline): Uncertain significance (1 of 4 stars; one submission).

Conditions:
Hypertrophic cardiomyopathy. Also called: HYPERTROPHIC MYOCARDIOPATHY. Identifiers: Orphanet 217569, MedGen C0007194, MeSH D002312, MONDO:0005045, HP:0001639.

Submission:

Labcorp Genetics (formerly Invitae), Labcorp
Classification: Uncertain significance for Hypertrophic cardiomyopathy. Last evaluated: 2021-12-18. Review status: criteria provided, single submitter. Criteria: Invitae Variant Classification Sherloc (09022015). Collection method: clinical testing. Allele origin: germline.
Comment: In summary, the available evidence is currently insufficient to determine the role of this variant in disease. Therefore, it has been classified as a Variant of Uncertain Significance. Algorithms developed to predict the effect of missense changes on protein structure and function are either unavailable or do not agree on the potential impact of this missense change (SIFT: "Tolerated"; PolyPhen-2: "Possibly Damaging"; Align-GVGD: "Class C0"). This variant has not been reported in the literature in individuals affected with TPM1-related conditions. This variant is not present in population databases (gnomAD no frequency). This sequence change replaces methionine, which is neutral and non-polar, with isoleucine, which is neutral and non-polar, at codon 10 of the TPM1 protein (p.Met10Ile).